The following is an entry in ClinVar:

ClinVar aggregate classification (germline): Benign/Likely benign. Review status: criteria provided, multiple submitters, no conflicts (2 of 4 stars). 5 submissions from 5 submitters: Benign (1); Likely benign (4). Last evaluated 2025-11-03.

Conditions:
Hereditary cancer-predisposing syndrome. Also called: Tumor predisposition; Hereditary neoplastic syndrome; Hereditary Cancer Syndrome; Neoplastic Syndromes, Hereditary. Identifiers: Orphanet 140162, MedGen C0027672, MeSH D009386, MONDO:0015356.
POLD1-related polyposis and colorectal cancer syndrome (CRCS10). Also called: COLORECTAL CANCER, SUSCEPTIBILITY TO, ON CHROMOSOME 19q; Colorectal cancer 10; Colorectal cancer, susceptibility to, 10. Identifiers: Orphanet 220460, MedGen C2675481, MONDO:0012953, OMIM 612591.

Allele frequency attached by ClinVar (database versions not stated): TOPMed below 0.00001; gnomAD exomes 0.00001; ExAC 0.00002.
gnomAD v4.1: 26 of 1,592,514 alleles (0.0016%); highest among the groups gnomAD compares: Non-Finnish European, 0.0021%; no homozygotes.

Submissions (5):

Labcorp Genetics (formerly Invitae), Labcorp
Classification: Likely benign for POLD1-related polyposis and colorectal cancer syndrome. Last evaluated: 2025-11-03. Review status: criteria provided, single submitter. Criteria: Invitae Variant Classification Sherloc (09022015). Collection method: clinical testing. Allele origin: germline.

CeGaT Center for Human Genetics Tuebingen
Classification: Likely benign. Last evaluated: 2025-03-01. Review status: criteria provided, single submitter. Criteria: CeGaT Center For Human Genetics Tuebingen Variant Classification Criteria Version 2. Collection method: clinical testing. Allele origin: germline. Affected: yes. Observed: 2 variant alleles.
Comment: POLD1: BP4, BP7

Myriad Genetics, Inc.
Classification: Benign for POLD1-related polyposis and colorectal cancer syndrome. Last evaluated: 2025-02-05. Review status: criteria provided, single submitter. Criteria: Myriad Autosomal Dominant, Autosomal Recessive and X-Linked Classification Criteria (2023). Collection method: clinical testing. Allele origin: unknown.
Comment: This variant is considered benign. This variant is a silent/synonymous amino acid change and it is not expected to impact splicing.

GeneDx
Classification: Likely benign. Last evaluated: 2019-07-10. Review status: criteria provided, single submitter. Criteria: GeneDx Variant Classification Process June 2021. Collection method: clinical testing. Allele origin: germline. Affected: yes.
Comment: Not observed at a significant frequency in large population cohorts (Lek et al., 2016)

Ambry Genetics
Classification: Likely benign for Hereditary cancer-predisposing syndrome. Last evaluated: 2018-09-14. Review status: criteria provided, single submitter. Criteria: Ambry Variant Classification Scheme 2023. Collection method: clinical testing. Allele origin: germline.

NM_002691.4(POLD1):c.960C>T (p.Ala320=)

Gene: POLD1 (DNA polymerase delta 1, catalytic subunit; plus strand). Cytogenetic location: 19q13.33.
Variant type: single nucleotide variant.
Coding change: c.960C>T on transcript NM_002691.4 (MANE Select); coding-DNA position 960, C replaced by T.
Protein change: p.Ala320=; no amino-acid change (alanine 320 retained).
Molecular consequence: synonymous variant. On other transcripts: non-coding transcript variant (1).
Genome position (GRCh38, 1-based): chr19:50,402,731, C>T. VCF-style: chr19-50402731-C-T. GRCh37 (hg19) VCF-style: chr19-50905988-C-T.
Other names: c.960C>T, p.Ala320= (NM_001256849.1, NM_001308632.1).
Identifiers: ClinVar variation 414748 (VCV000414748.42), dbSNP rs761783513, ClinGen allele CA9595965.